The following is an entry in ClinVar:

ClinVar aggregate classification (germline): Uncertain significance (1 of 4 stars; one submission).

Conditions:
Long QT syndrome (LQTS). Identifiers: MedGen C0023976, MeSH D008133, MONDO:0002442. Disease mechanism: loss of function. Inheritance: Various modes of inheritance.

Submission:

Labcorp Genetics (formerly Invitae), Labcorp
Classification: Uncertain significance for Long QT syndrome. Last evaluated: 2022-09-07. Review status: criteria provided, single submitter. Criteria: Invitae Variant Classification Sherloc (09022015). Collection method: clinical testing. Allele origin: germline.
Comment: This sequence change creates a premature translational stop signal (p.Gln325Hisfs*52) in the CACNA1C gene. It is expected to result in an absent or disrupted protein product. However, the current clinical and genetic evidence is not sufficient to establish whether loss-of-function variants in CACNA1C cause disease. This variant is not present in population databases (gnomAD no frequency). In summary, the available evidence is currently insufficient to determine the role of this variant in disease. Therefore, it has been classified as a Variant of Uncertain Significance. This variant has not been reported in the literature in individuals affected with CACNA1C-related conditions.

NM_000719.7(CACNA1C):c.975del (p.Gln325fs)

Gene: CACNA1C (calcium voltage-gated channel subunit alpha1 C; plus strand). Cytogenetic location: 12p13.33.
Variant type: Deletion.
Coding change: c.975del on transcript NM_000719.7 (MANE Select); coding-DNA position 975, one base deleted (G; older notation c.975delG).
Protein change: p.Gln325fs; shifts the reading frame from glutamine 325.
Molecular consequence: frameshift variant.
Genome position (GRCh38, 1-based): chr12:2,493,248, G deleted. VCF-style (leftmost placement, unchanged base first): chr12-2493247-AG-A. GRCh37 (hg19) VCF-style: chr12-2602413-AG-A.
Other names: c.975del, p.Gln325fs (NM_001129836.2, NM_001129837.2, NM_001129838.2 and 18 more transcripts); c.966del, p.Gln322fs (NM_001129844.2); short protein forms Q322fs, Q325fs.
Identifiers: ClinVar variation 2029380 (VCV002029380.4), dbSNP rs2504145732, ClinGen allele CA2580085117.